The following is an entry in ClinVar:

ClinVar aggregate classification (germline): Likely benign. Review status: criteria provided, multiple submitters, no conflicts (2 of 4 stars). 2 submissions from 2 submitters: Likely benign (2). Last evaluated 2023-09-17.

Conditions:
Familial thoracic aortic aneurysm and aortic dissection (TAAD). Also called: Thoracic aortic aneurysms and dissections. Identifiers: Orphanet 91387, MedGen C4707243, MONDO:0019625.

Submissions (2):

All of Us Research Program, National Institutes of Health
Classification: Likely benign for Familial thoracic aortic aneurysm and aortic dissection. Last evaluated: 2023-09-17. Review status: criteria provided, single submitter. Criteria: ACMG Guidelines, 2015. Collection method: clinical testing. Allele origin: germline. Inheritance: Autosomal dominant inheritance. Observed: 1 variant allele, 1 heterozygote.
Comment: This study involves interpretation of variants in research participants for the purpose of population health screening. Participant phenotype was not available at the time of variant classification. Additional details can be found in publication PMID: 35346344, PMCID: PMC8962531

Color Diagnostics, LLC DBA Color Health
Classification: Likely benign for Familial thoracic aortic aneurysm and aortic dissection. Last evaluated: 2023-09-06. Review status: criteria provided, single submitter. Criteria: ACMG Guidelines, 2015. Collection method: clinical testing. Allele origin: germline.

NM_001613.4(ACTA2):c.63C>A (p.Ala21=)

Gene: ACTA2 (actin alpha 2, smooth muscle; minus strand). Cytogenetic location: 10q23.31.
Variant type: single nucleotide variant.
Coding change: c.63C>A on transcript NM_001613.4 (MANE Select); coding-DNA position 63, C replaced by A.
Protein change: p.Ala21=; no amino-acid change (alanine 21 retained).
Molecular consequence: synonymous variant.
Genome position (GRCh38, 1-based): chr10:88,948,868, G>T on the plus strand (C>A on the coding strand, the complement: ACTA2 is on the minus strand). VCF-style: chr10-88948868-G-T. GRCh37 (hg19) VCF-style: chr10-90708625-G-T.
Other names: c.63C>A, p.Ala21= (NM_001141945.3, NM_001320855.2, NM_001406462.1 and 7 more transcripts).
Identifiers: ClinVar variation 3073384 (VCV003073384.2), dbSNP rs201193926, ClinGen allele CA470736973.
Genomic context (GRCh38, chr10:88,948,868, plus strand): 5'-TCTGGGACGTCCCACAATGGATGGGAAAACAGCCCTGGGAGCATCGTCCCCAGCAAAGCC[G>T]GCCTTACAGAGCCCAGAGCCATTGTCACACACCAAGGCAGTGCTGTCCTCTTCTTCACAC-3'
Protein context (NP_001604.1, residues 11-31): VCDNGSGLCK[Ala21=]GFAGDDAPRA